The following is an entry in ClinVar:

ClinVar aggregate classification (germline): Pathogenic (1 of 4 stars; one submission).

Conditions:
Pitt-Hopkins-like syndrome 2 (PTHSL2). Identifiers: Orphanet 221150, Orphanet 600663, MedGen C3280479, MONDO:0013690, OMIM 614325.

Submission:

Women's Health and Genetics/Laboratory Corporation of America, LabCorp
Classification: Pathogenic for Pitt-Hopkins-like syndrome 2. Last evaluated: 2023-10-30. Review status: criteria provided, single submitter. Criteria: LabCorp Variant Classification Summary - May 2015. Collection method: clinical testing. Allele origin: germline.
Comment: Variant summary: NRXN1 c.921delT (p.Ser309ValfsX33) results in a premature termination codon, predicted to cause a truncation of the encoded protein or absence of the protein due to nonsense mediated decay, which are commonly known mechanisms for disease. The variant was absent in 167224 control chromosomes. To our knowledge, no occurrence of c.921delT in individuals affected with Pitt-Hopkins-Like Syndrome 2 and no experimental evidence demonstrating its impact on protein function have been reported. No submitters have cited clinical-significance assessments for this variant to ClinVar after 2014. Based on the evidence outlined above, the variant was classified as pathogenic.

NM_001330078.2(NRXN1):c.822del (p.Ser276fs)

Gene: NRXN1 (neurexin 1; minus strand). Cytogenetic location: 2p16.3.
Variant type: Deletion.
Coding change: c.822del on transcript NM_001330078.2 (MANE Select); coding-DNA position 822, one base deleted (T; older notation c.822delT).
Protein change: p.Ser276fs; shifts the reading frame from serine 276.
Molecular consequence: frameshift variant. On other transcripts: intron variant (6).
Genome position (GRCh38, 1-based): chr2:50,921,879, A deleted on the plus strand (T on the coding strand, the reverse complement: NRXN1 is on the minus strand). VCF-style (leftmost placement, unchanged base first): chr2-50921878-TA-T. GRCh37 (hg19) VCF-style: chr2-51149016-TA-T.
Other names: c.822del, p.Ser276fs (NM_001330082.2, NM_001330085.2, NM_001330086.2 and 5 more transcripts); c.819del, p.Ser275fs (NM_001330093.2, NM_001330079.2); c.772+105623del (NM_001330096.2, NM_001330087.2, NM_001330083.2 and 1 more transcripts); c.802+779del (NM_001330088.2); c.820+779del (NM_001330094.2); c.921delT (NM_001135659.3); c.921del, p.Ser309fs (NM_001135659.3); short protein forms S275fs, S276fs, S309fs.
Identifiers: ClinVar variation 2637547 (VCV002637547.1), dbSNP rs2466962714, ClinGen allele CA2695200785.